The following is an entry in ClinVar:

NM_133433.4(NIPBL):c.4087+9G>A

Gene: NIPBL (NIPBL cohesin loading factor; plus strand). Cytogenetic location: 5p13.2.
Variant type: single nucleotide variant.
Coding change: c.4087+9G>A on transcript NM_133433.4 (MANE Select); 9 bases into the intron after coding-DNA position 4087, G replaced by A.
Molecular consequence: intron variant.
Genome position (GRCh38, 1-based): chr5:37,006,597, G>A. VCF-style: chr5-37006597-G-A. GRCh37 (hg19) VCF-style: chr5-37006699-G-A.
Other names: c.4087+9G>A (NM_133433.3, NM_015384.5).
Identifiers: ClinVar variation 1598230 (VCV001598230.10), dbSNP rs757255852, ClinGen allele CA3236486.
Genomic context (GRCh38, chr5:37,006,597, plus strand): 5'-AATACACTTTATCCTCAGTATGATCCTGTTTACAGATTAGATCCTCATGGAGGTTAGTTC[G>A]TATAATATCAAAATTATTGTAAATTTTTGCCATGTTAGATGAGTCAAAATAGGACTTAAA-3'

ClinVar aggregate classification (germline): Likely benign. Review status: criteria provided, single submitter (1 of 4 stars). 2 submissions from 2 submitters: Likely benign (1). 1 of the submissions does not count toward it. Last evaluated 2025-12-15.

Conditions:
NIPBL-related disorder. Also called: NIPBL-related condition.
Cornelia de Lange syndrome 1 (CDLS1). Also called: TYPUS DEGENERATIVUS AMSTELODAMENSIS; Brachmann de Lange syndrome; NIPBL-Related Cornelia de Lange Syndrome. Identifiers: Orphanet 199, MedGen C4551851, MONDO:0007387, OMIM 122470.

Allele frequency attached by ClinVar (database versions not stated): gnomAD 0.00001; TOPMed 0.00001; gnomAD exomes 0.00003 and 0.00004; ExAC 0.00006.
gnomAD v4.1: 48 of 1,547,450 alleles (0.0031%); highest among the groups gnomAD compares: Middle Eastern, 0.017%; no homozygotes.

Submissions (2):

Labcorp Genetics (formerly Invitae), Labcorp
Classification: Likely benign for Cornelia de Lange syndrome 1. Last evaluated: 2025-12-15. Review status: criteria provided, single submitter. Criteria: Invitae Variant Classification Sherloc (09022015). Collection method: clinical testing. Allele origin: germline.

PreventionGenetics, part of Exact Sciences
Classification: Likely benign for NIPBL-related condition. Last evaluated: 2019-09-19. Review status: no assertion criteria provided. Collection method: clinical testing. Allele origin: germline. Not counted in ClinVar's aggregate classification.
Comment: This variant is classified as likely benign based on ACMG/AMP sequence variant interpretation guidelines (Richards et al. 2015 PMID: 25741868, with internal and published modifications).